The following is an entry in ClinVar:

ClinVar aggregate classification (germline): Uncertain significance (1 of 4 stars; one submission).

Conditions:
Cardiovascular phenotype. Identifiers: MedGen CN230736.

Allele frequency attached by ClinVar (database versions not stated): TOPMed below 0.00001.

Submission:

Ambry Genetics
Classification: Uncertain significance for Cardiovascular phenotype. Last evaluated: 2022-01-10. Review status: criteria provided, single submitter. Criteria: Ambry Variant Classification Scheme 2023. Collection method: clinical testing. Allele origin: germline.
Comment: The p.P2987A variant (also known as c.8959C>G), located in coding exon 10 of the ALMS1 gene, results from a C to G substitution at nucleotide position 8959. The proline at codon 2987 is replaced by alanine, an amino acid with highly similar properties. This amino acid position is well conserved in available vertebrate species. In addition, this alteration is predicted to be tolerated by in silico analysis. Since supporting evidence is limited at this time, the clinical significance of this alteration remains unclear.

NM_001378454.1(ALMS1):c.8956C>G (p.Pro2986Ala)

Gene: ALMS1 (ALMS1 centrosome and basal body associated protein; plus strand). Cytogenetic location: 2p13.1.
Variant type: single nucleotide variant.
Coding change: c.8956C>G on transcript NM_001378454.1 (MANE Select); coding-DNA position 8956, C replaced by G.
Protein change: p.Pro2986Ala; replaces proline 2986 with alanine.
Molecular consequence: missense variant.
Genome position (GRCh38, 1-based): chr2:73,490,915, C>G. VCF-style: chr2-73490915-C-G. GRCh37 (hg19) VCF-style: chr2-73718042-C-G.
Other names: c.8959C>G, p.Pro2987Ala (NM_015120.4); short protein forms P2986A, P2987A.
Identifiers: ClinVar variation 1765241 (VCV001765241.2), dbSNP rs991419838, ClinGen allele CA50379749.
Genomic context (GRCh38, chr2:73,490,915, plus strand): 5'-CTTGAACAATGCCAAAGCAAAGCGCCAGGTGTAGATGACCAAATGAATAAACACCATTTT[C>G]CCCTTCCTCAAGGTCAGGATTGTGTAGTGGAAAAGAATAATCAACATAAGCCTAAATCAC-3'
Protein context (NP_001365383.1, residues 2976-2996): VDDQMNKHHF[Pro2986Ala]LPQGQDCVVE